The following is an entry in ClinVar:

NM_001035.3(RYR2):c.676G>C (p.Gly226Arg)

Gene: RYR2 (ryanodine receptor 2; plus strand). Cytogenetic location: 1q43.
Variant type: single nucleotide variant.
Coding change: c.676G>C on transcript NM_001035.3 (MANE Select); coding-DNA position 676, G replaced by C.
Protein change: p.Gly226Arg; replaces glycine 226 with arginine.
Molecular consequence: missense variant.
Genome position (GRCh38, 1-based): chr1:237,387,380, G>C. VCF-style: chr1-237387380-G-C. GRCh37 (hg19) VCF-style: chr1-237550680-G-C.
Other names: short protein forms G226R.
Identifiers: ClinVar variation 4715895 (VCV004715895.1).

ClinVar aggregate classification (germline): Uncertain significance (1 of 4 stars; one submission).

Conditions:
Catecholaminergic polymorphic ventricular tachycardia 1. Also called: RYR2-Related Catecholaminergic Polymorphic Ventricular Tachycardia; VENTRICULAR TACHYCARDIA, STRESS-INDUCED POLYMORPHIC 1; VENTRICULAR TACHYCARDIA, CATECHOLAMINERGIC POLYMORPHIC, 1, WITH OR WITHOUT ATRIAL DYSFUNCTION AND/OR DILATED CARDIOMYOPATHY. Identifiers: Orphanet 3286, MedGen C1631597, MONDO:0011484, OMIM 604772.

Submission:

Labcorp Genetics (formerly Invitae), Labcorp
Classification: Uncertain significance for Catecholaminergic polymorphic ventricular tachycardia 1. Last evaluated: 2025-03-25. Review status: criteria provided, single submitter. Criteria: Invitae Variant Classification Sherloc (09022015). Collection method: clinical testing. Allele origin: germline.
Comment: This sequence change replaces glycine, which is neutral and non-polar, with arginine, which is basic and polar, at codon 226 of the RYR2 protein (p.Gly226Arg). This variant also falls at the last nucleotide of exon 9, which is part of the consensus splice site for this exon. This variant is not present in population databases (gnomAD no frequency). This variant has not been reported in the literature in individuals affected with RYR2-related conditions. An algorithm developed to predict the effect of missense changes on protein structure and function (PolyPhen-2) suggests that this variant is likely to be disruptive. Variants that disrupt the consensus splice site are a relatively common cause of aberrant splicing (PMID: 17576681, 9536098). Algorithms developed to predict the effect of sequence changes on RNA splicing suggest that this variant may disrupt the consensus splice site. In summary, the available evidence is currently insufficient to determine the role of this variant in disease. Therefore, it has been classified as a Variant of Uncertain Significance.

Literature cited by the submitters: PubMed 17576681; PubMed 9536098.